The following is an entry in ClinVar:

ClinVar aggregate classification (germline): Uncertain significance (1 of 4 stars; one submission).

Conditions:
Dilated cardiomyopathy 1DD (CMD1DD). Identifiers: Orphanet 154, MedGen C2750995, MONDO:0013168, OMIM 613172.

gnomAD v4.1: 1 of 1,551,794 alleles (0.000064%); highest among the groups gnomAD compares: Non-Finnish European, 0.000087%; no homozygotes.

Submission:

Labcorp Genetics (formerly Invitae), Labcorp
Classification: Uncertain significance for Dilated cardiomyopathy 1DD. Last evaluated: 2021-11-24. Review status: criteria provided, single submitter. Criteria: Invitae Variant Classification Sherloc (09022015). Collection method: clinical testing. Allele origin: germline.
Comment: This sequence change replaces valine, which is neutral and non-polar, with glycine, which is neutral and non-polar, at codon 391 of the RBM20 protein (p.Val391Gly). This variant is not present in population databases (gnomAD no frequency). This variant has not been reported in the literature in individuals affected with RBM20-related conditions. Advanced modeling of protein sequence and biophysical properties (such as structural, functional, and spatial information, amino acid conservation, physicochemical variation, residue mobility, and thermodynamic stability) performed at Invitae indicates that this missense variant is not expected to disrupt RBM20 protein function. In summary, the available evidence is currently insufficient to determine the role of this variant in disease. Therefore, it has been classified as a Variant of Uncertain Significance.

NM_001134363.3(RBM20):c.1172T>G (p.Val391Gly)

Gene: RBM20 (RNA binding motif protein 20; plus strand). Cytogenetic location: 10q25.2.
Variant type: single nucleotide variant.
Coding change: c.1172T>G on transcript NM_001134363.3 (MANE Select); coding-DNA position 1172, T replaced by G.
Protein change: p.Val391Gly; replaces valine 391 with glycine.
Molecular consequence: missense variant.
Genome position (GRCh38, 1-based): chr10:110,781,781, T>G. VCF-style: chr10-110781781-T-G. GRCh37 (hg19) VCF-style: chr10-112541539-T-G.
Other names: short protein forms V391G.
Identifiers: ClinVar variation 1449151 (VCV001449151.6), dbSNP rs567118667, ClinGen allele CA378385872.
Genomic context (GRCh38, chr10:110,781,781, plus strand): 5'-GCAAACAGGGTTTTATCGGTGCTGGGCGGAGGGCCAAGGAGGACCAGGCGTTGCTATCTG[T>G]GCGGCCCCTGCAGGCTCATGAGCTGAACGACTTTCACGGTGTGGCCCCCCTCCACTTGCC-3'
Protein context (NP_001127835.2, residues 381-401): RAKEDQALLS[Val391Gly]RPLQAHELND